The following is an entry in ClinVar:

ClinVar aggregate classification (germline): Uncertain significance (1 of 4 stars; one submission).

Conditions:
Retinoblastoma (RB1). Also called: RETINOBLASTOMA, SOMATIC. Identifiers: Orphanet 790, MedGen C0035335, MeSH D012175, MONDO:0008380, OMIM 180200, HP:0009919. Disease mechanism: loss of function. Inheritance: Both sporadic and heritable forms are tested..

Submission:

Labcorp Genetics (formerly Invitae), Labcorp
Classification: Uncertain significance for Retinoblastoma. Last evaluated: 2023-08-11. Review status: criteria provided, single submitter. Criteria: Invitae Variant Classification Sherloc (09022015). Collection method: clinical testing. Allele origin: germline.
Comment: This sequence change replaces glutamic acid, which is acidic and polar, with valine, which is neutral and non-polar, at codon 19 of the RB1 protein (p.Glu19Val). This variant is not present in population databases (gnomAD no frequency). This variant has not been reported in the literature in individuals affected with RB1-related conditions. ClinVar contains an entry for this variant (Variation ID: 1721621). Advanced modeling of protein sequence and biophysical properties (such as structural, functional, and spatial information, amino acid conservation, physicochemical variation, residue mobility, and thermodynamic stability) has been performed at Invitae for this missense variant, however the output from this modeling did not meet the statistical confidence thresholds required to predict the impact of this variant on RB1 protein function. In summary, the available evidence is currently insufficient to determine the role of this variant in disease. Therefore, it has been classified as a Variant of Uncertain Significance.

NM_000321.3(RB1):c.56A>T (p.Glu19Val)

Gene: RB1 (RB transcriptional corepressor 1; plus strand). Cytogenetic location: 13q14.2.
Variant type: single nucleotide variant.
Coding change: c.56A>T on transcript NM_000321.3 (MANE Select); coding-DNA position 56, A replaced by T.
Protein change: p.Glu19Val; replaces glutamic acid 19 with valine.
Molecular consequence: missense variant.
Genome position (GRCh38, 1-based): chr13:48,303,968, A>T. VCF-style: chr13-48303968-A-T. GRCh37 (hg19) VCF-style: chr13-48878104-A-T.
Other names: c.56A>T, p.Glu19Val (NM_001407165.1, NM_001407166.1, NM_001407167.1); short protein forms E19V.
Identifiers: ClinVar variation 1721621 (VCV001721621.5), dbSNP rs2138027431, ClinGen allele CA388250237.